The following is an entry in ClinVar:

NM_145207.3(AFG2A):c.1622C>T (p.Pro541Leu)

Gene: AFG2A (AAA ATPase AFG2A; plus strand). Cytogenetic location: 4q28.1.
Variant type: single nucleotide variant.
Coding change: c.1622C>T on transcript NM_145207.3 (MANE Select); coding-DNA position 1622, C replaced by T.
Protein change: p.Pro541Leu; replaces proline 541 with leucine.
Molecular consequence: missense variant.
Genome position (GRCh38, 1-based): chr4:122,947,396, C>T. VCF-style: chr4-122947396-C-T. GRCh37 (hg19) VCF-style: chr4-123868551-C-T.
Other names: c.1619C>T, p.Pro540Leu (NM_001317799.2, NM_001345856.2); short protein forms P541L, P540L.
Identifiers: ClinVar variation 662151 (VCV000662151.7), dbSNP rs143957561, ClinGen allele CA3070500.
Genomic context (GRCh38, chr4:122,947,396, plus strand): 5'-TTGGAGTTCCCAATGCTCAGGACCGGCTAGATATTCTCCAGAAACTGCTTCGAAGGGTAC[C>T]CCATTTGCTCACTGAGGCTGAGCTGCTGCAGCTGGCAAATAGTGCTCATGGATACGTTGG-3'
Protein context (NP_660208.2, residues 531-551): DILQKLLRRV[Pro541Leu]HLLTEAELLQ

ClinVar aggregate classification (germline): Uncertain significance. Review status: criteria provided, multiple submitters, no conflicts (2 of 4 stars). 2 submissions from 2 submitters: Uncertain significance (2). Last evaluated 2025-07-29.

Conditions:
Inborn genetic diseases. Identifiers: MedGen C0950123, MeSH D030342.
Microcephaly-intellectual disability-sensorineural hearing loss-epilepsy-abnormal muscle tone syndrome (NEDHSB). Also called: NEURODEVELOPMENTAL DISORDER WITH HEARING LOSS, SEIZURES, AND BRAIN ABNORMALITIES. Identifiers: Orphanet 457351, MedGen C4225276, MONDO:0014698, OMIM 616577.

gnomAD v4.1: 5 of 1,613,964 alleles (0.00031%); highest among the groups gnomAD compares: Admixed American, 0.0083%; no homozygotes.

Submissions (2):

Ambry Genetics
Classification: Uncertain significance for Inborn genetic diseases. Last evaluated: 2025-07-29. Review status: criteria provided, single submitter. Criteria: Ambry Variant Classification Scheme 2023. Collection method: clinical testing. Allele origin: germline.
Comment: The c.1622C>T (p.P541L) alteration is located in exon 9 (coding exon 9) of the AFG2A gene. This alteration results from a C to T substitution at nucleotide position 1622, causing the proline (P) at amino acid position 541 to be replaced by a leucine (L). Based on data from gnomAD, the T allele has an overall frequency of 0.002% (5/251432) total alleles studied. The highest observed frequency was 0.015% (5/34590) of Latino alleles. This amino acid position is highly conserved in available vertebrate species. The in silico prediction for this alteration is inconclusive. Based on insufficient or conflicting evidence, the clinical significance of this alteration remains unclear.

Labcorp Genetics (formerly Invitae), Labcorp
Classification: Uncertain significance for Microcephaly-intellectual disability-sensorineural hearing loss-epilepsy-abnormal muscle tone syndrome. Last evaluated: 2018-10-04. Review status: criteria provided, single submitter. Criteria: Invitae Variant Classification Sherloc (09022015). Collection method: clinical testing. Allele origin: germline.
Comment: This variant has not been reported in the literature in individuals with SPATA5-related disease. In summary, the available evidence is currently insufficient to determine the role of this variant in disease. Therefore, it has been classified as a Variant of Uncertain Significance. Algorithms developed to predict the effect of missense changes on protein structure and function (SIFT, PolyPhen-2, Align-GVGD) all suggest that this variant is likely to be disruptive, but these predictions have not been confirmed by published functional studies and their clinical significance is uncertain. This variant is present in population databases (rs143957561, ExAC 0.009%). This sequence change replaces proline with leucine at codon 541 of the SPATA5 protein (p.Pro541Leu). The proline residue is highly conserved and there is a moderate physicochemical difference between proline and leucine.